The following is an entry in ClinVar:

ClinVar aggregate classification (somatic clinical impact): Tier II - Potential (1 of 4 stars; one submission).

Conditions:
Pleomorphic xanthoastrocytoma (PXA). Identifiers: Orphanet 251607, MedGen C0334586, MONDO:0016690, HP:0033682.

Submission:

Institute for Genomic Medicine (IGM) Clinical Laboratory, Nationwide Children's Hospital
Classification: Tier II - Potential for Pleomorphic xanthoastrocytoma. Assertion type: diagnostic. Clinical significance: supports diagnosis. Last evaluated: 2023-09-08. Review status: criteria provided, single submitter. Criteria: AMP/ASCO/CAP Guidelines, 2017. Collection method: clinical testing. Allele origin: somatic. Affected: yes.
Comment: Variant has Tier II (potential) clinical significance as a diagnostic inclusion criterion in pleomorphic xanthoastrocytoma, based on the following evidence: 1) Documented in one or more cancer databases (e.g., St. Jude Pecan, COSMIC, CIViC, OncoKB). 2) Appears in one or more well-established professional guidelines (e.g., World Health Organization [WHO]; National Comprehensive Cancer Network [NCCN]) as providing diagnostic, prognostic, or therapeutic information. 3) Information in the literature supports potential biologic effect of variant (PMIDs: 17379597, 22210327). 4) Diagnostic significance based on multiple small studies (Evidence Level C; PMIDs: 24705251, 28912153, 30051528).

Literature cited by the submitters: PubMed 17379597; PubMed 22210327; PubMed 24705251; PubMed 28912153; PubMed 30051528.

NM_001379451.1(BCORL1):c.5264del (p.Pro1755fs)

Gene: BCORL1 (BCL6 corepressor like 1; plus strand). Cytogenetic location: Xq26.1.
Variant type: Deletion.
Coding change: c.5264del on transcript NM_001379451.1 (MANE Select); coding-DNA position 5264, one base deleted (C; older notation c.5264delC).
Protein change: p.Pro1755fs; shifts the reading frame from proline 1755.
Molecular consequence: frameshift variant.
Genome position (GRCh38, 1-based): chrX:130,056,042, C deleted; the last of 7 consecutive C bases (chrX:130,056,036-130,056,042); deleting any one gives the same sequence. VCF-style (leftmost placement, unchanged base first): chrX-130056035-TC-T. GRCh37 (hg19) VCF-style: chrX-129190010-TC-T.
Other names: c.5264del, p.Pro1755fs (NM_001441326.1, NM_001441327.1, NM_001441328.1 and 2 more transcripts); c.4874del, p.Pro1625fs (NM_001441329.1, NM_001441330.1, NM_001441331.1 and 1 more transcripts); c.5042del, p.Pro1681fs (NM_021946.5); short protein forms P1625fs, P1681fs, P1755fs.
Identifiers: ClinVar variation 4530165 (VCV004530165.1).